The following is an entry in ClinVar:

NM_014425.5(INVS):c.1793_1794del (p.Glu598fs)

Gene: INVS (inversin; plus strand). Cytogenetic location: 9q31.1.
Variant type: Microsatellite.
Coding change: c.1793_1794del on transcript NM_014425.5 (MANE Select); coding-DNA positions 1793 to 1794, 2 bases deleted (AG; older notation c.1793_1794delAG).
Protein change: p.Glu598fs; shifts the reading frame from glutamic acid 598.
Molecular consequence: frameshift variant. On other transcripts: non-coding transcript variant (1).
Genome position (GRCh38, 1-based): chr9:100,284,328-100,284,329, AG deleted; deleting any 2 consecutive bases within chr9:100,284,325-100,284,329 gives the same sequence; the c. name uses the placement nearest the transcript's 3' end. VCF-style (leftmost placement, unchanged base first): chr9-100284324-CGA-C. GRCh37 (hg19) VCF-style: chr9-103046606-CGA-C.
Other names: c.1505_1506del, p.Glu502fs (NM_001318381.2); c.815_816del, p.Glu272fs (NM_001318382.2); short protein forms E272fs, E502fs, E598fs.
Identifiers: ClinVar variation 2762694 (VCV002762694.3), dbSNP rs2490087284, ClinGen allele CA2697557917.

ClinVar aggregate classification (germline): Pathogenic (1 of 4 stars; one submission).

Conditions:
Nephronophthisis. Also called: Juvenile Nephronophthisis. Identifiers: Orphanet 655, MedGen C0687120, MONDO:0019005, HP:0000090.

Submission:

Labcorp Genetics (formerly Invitae), Labcorp
Classification: Pathogenic for Nephronophthisis. Last evaluated: 2023-09-22. Review status: criteria provided, single submitter. Criteria: Invitae Variant Classification Sherloc (09022015). Collection method: clinical testing. Allele origin: germline.
Comment: For these reasons, this variant has been classified as Pathogenic. This variant has not been reported in the literature in individuals affected with INVS-related conditions. This variant is not present in population databases (gnomAD no frequency). This sequence change creates a premature translational stop signal (p.Glu598Glyfs*30) in the INVS gene. It is expected to result in an absent or disrupted protein product. Loss-of-function variants in INVS are known to be pathogenic (PMID: 12872123).

Literature cited by the submitters: PubMed 12872123.